The following is an entry in ClinVar:

NM_001134407.3(GRIN2A):c.3756G>C (p.Gln1252His)

Gene: GRIN2A (glutamate ionotropic receptor NMDA type subunit 2A; minus strand). Cytogenetic location: 16p13.2.
Variant type: single nucleotide variant.
Coding change: c.3756G>C on transcript NM_001134407.3 (MANE Select); coding-DNA position 3756, G replaced by C.
Protein change: p.Gln1252His; replaces glutamine 1252 with histidine.
Molecular consequence: missense variant.
Genome position (GRCh38, 1-based): chr16:9,763,788, C>G on the plus strand (G>C on the coding strand, the complement: GRIN2A is on the minus strand). VCF-style: chr16-9763788-C-G. GRCh37 (hg19) VCF-style: chr16-9857645-C-G.
Other names: c.3756G>C, p.Gln1252His (NM_000833.5, NM_001134408.2); short protein forms Q1252H.
Identifiers: ClinVar variation 2760229 (VCV002760229.5), dbSNP rs367548624, ClinGen allele CA7896258.
Genomic context (GRCh38, chr16:9,763,788, plus strand): 5'-TGCCCAGTCCTGCTGGTAGACCTGCTCCCCGGTGGCTGGGTTACCTGTCTCCTGAAGCAT[C>G]TGGTCTTCATCGATGTCATAGAGGTTCCCCATCCGCAGGCAGGCATCGCACTTGAAGGGG-3'
Protein context (NP_001127879.1, residues 1242-1262): MGNLYDIDED[Gln1252His]MLQETGNPAT

ClinVar aggregate classification (germline): Conflicting classifications of pathogenicity. Review status: criteria provided, conflicting classifications (1 of 4 stars). 2 submissions from 2 submitters: Uncertain significance (1); Likely benign (1). Last evaluated 2024-03-18.

Conditions:
Landau-Kleffner syndrome (FESD). Also called: APHASIA, ACQUIRED, WITH EPILEPSY; EPILEPSY, FOCAL, WITH SPEECH DISORDER AND WITH OR WITHOUT MENTAL RETARDATION. Identifiers: Orphanet 1945, Orphanet 725, Orphanet 98818, MedGen C0282512, MONDO:0009509, OMIM 245570.

Allele frequency attached by ClinVar (database versions not stated): ExAC 0.00001; gnomAD 0.00001; TOPMed 0.00002; ESP Exome Variant Server 0.00008.
gnomAD v4.1: 1 of 1,614,048 alleles (0.000062%); highest among the groups gnomAD compares: African/African-American, 0.0013%; no homozygotes.

Submissions (2):

Women's Health and Genetics/Laboratory Corporation of America, LabCorp
Classification: Uncertain significance. Last evaluated: 2024-03-18. Review status: criteria provided, single submitter. Criteria: LabCorp Variant Classification Summary - May 2015. Collection method: clinical testing. Allele origin: germline.
Comment: Variant summary: GRIN2A c.3756G>C (p.Gln1252His) results in a non-conservative amino acid change located in the Glutamate [NMDA] receptor, epsilon subunit, C-terminal (IPR018884) of the encoded protein sequence. Three of five in-silico tools predict a benign effect of the variant on protein function. The variant allele was found at a frequency of 4e-06 in 251326 control chromosomes. The available data on variant occurrences in the general population are insufficient to allow any conclusion about variant significance. To our knowledge, no occurrence of c.3756G>C in individuals affected with Epilepsy, Focal, With Speech Disorder And With Or Without Mental Retardation and no experimental evidence demonstrating its impact on protein function have been reported. ClinVar contains an entry for this variant (Variation ID: 2760229). Based on the evidence outlined above, the variant was classified as uncertain significance.

Labcorp Genetics (formerly Invitae), Labcorp
Classification: Likely benign for Landau-Kleffner syndrome. Last evaluated: 2023-09-12. Review status: criteria provided, single submitter. Criteria: Invitae Variant Classification Sherloc (09022015). Collection method: clinical testing. Allele origin: germline.